The following is an entry in ClinVar:

NM_000218.3(KCNQ1):c.1394-354C>T

Genes: KCNQ1 (potassium voltage-gated channel subfamily Q member 1; plus strand), KCNQ1OT1 (KCNQ1 opposite strand/antisense transcript 1; minus strand). Cytogenetic location: 11p15.5.
Variant type: single nucleotide variant.
Coding change: c.1394-354C>T on transcript NM_000218.3 (MANE Select); 354 bases into the intron before coding-DNA position 1394, C replaced by T.
Molecular consequence: intron variant. On other transcripts: non-coding transcript variant (1).
Genome position (GRCh38, 1-based): chr11:2,661,607, C>T. VCF-style: chr11-2661607-C-T. GRCh37 (hg19) VCF-style: chr11-2682837-C-T.
Other names: c.1124-354C>T (NM_001406837.1); c.1298-354C>T (NM_001406836.1); c.854-354C>T (NM_001406838.1); c.1013-354C>T (NM_181798.2).
Identifiers: ClinVar variation 3051077 (VCV003051077.2), dbSNP rs566388888, ClinGen allele CA216170303.

ClinVar aggregate classification (germline): Likely benign (0 of 4 stars; one submission).

Conditions:
KCNQ1-related disorder. Also called: KCNQ1-related disorders; KCNQ1-related condition. Identifiers: MedGen CN239322.

Allele frequency attached by ClinVar (database versions not stated): TOPMed 0.00001; gnomAD 0.00011; gnomAD exomes 0.00021; 1000 Genomes Project 0.00140; 1000 Genomes Project 30x 0.00187.
gnomAD v4.1: 105 of 579,462 alleles (0.018%); highest among the groups gnomAD compares: South Asian, 0.22%; 1 homozygote.

Submission:

PreventionGenetics, part of Exact Sciences
Classification: Likely benign for KCNQ1-related condition. Last evaluated: 2019-02-21. Review status: no assertion criteria provided. Collection method: clinical testing. Allele origin: germline.
Comment: This variant is classified as likely benign based on ACMG/AMP sequence variant interpretation guidelines (Richards et al. 2015 PMID: 25741868, with internal and published modifications).